The following is an entry in ClinVar:

NC_012920.1(MT-CYB):m.15226A>G

Gene: MT-CYB (mitochondrially encoded cytochrome b; plus strand).
Variant type: single nucleotide variant.
Genome position: chrM-15226-A-G.
Identifiers: ClinVar variation 143877 (VCV000143877.4), dbSNP rs527236174, ClinGen allele CA270608.

ClinVar aggregate classification (germline): Likely benign. Review status: criteria provided, single submitter (1 of 4 stars). 2 submissions from 2 submitters: Likely benign (1). 1 of the submissions does not count toward it. Last evaluated 2023-08-29.

Conditions:
Familial cancer of breast. Also called: BREAST CANCER, FAMILIAL; Hereditary breast cancer; hereditary breast carcinoma. Identifiers: Orphanet 227535, MedGen C0346153, MONDO:0016419, OMIM 114480. Disease mechanism: loss of function.

Submissions (2):

Ophthalmic Genetics Group, Institute of Molecular and Clinical Ophthalmology Basel
Classification: Likely benign for Familial cancer of breast. Last evaluated: 2023-08-29. Review status: criteria provided, single submitter. Criteria: ACMG Guidelines, 2015. Collection method: curation. Allele origin: unknown.
Comment: Clinical significance based on ACMG v2.0

This variant was classified as Benign based on ACMG criteria: BA1.

Department of Zoology Govt. MVM College
Classification: Likely pathogenic for Familial cancer of breast. Review status: no assertion criteria provided. Collection method: not provided. Allele origin: unknown. Not counted in ClinVar's aggregate classification.
Comment: KM270516
ClinVar note: Converted during submission from probable-pathogenic to Likely pathogenic.